The following is an entry in ClinVar:

ClinVar aggregate classification (germline): Uncertain significance (1 of 4 stars; one submission).

Submission:

Women's Health and Genetics/Laboratory Corporation of America, LabCorp
Classification: Uncertain significance. Last evaluated: 2024-03-01. Review status: criteria provided, single submitter. Criteria: LabCorp Variant Classification Summary - May 2015. Collection method: clinical testing. Allele origin: germline.
Comment: Variant summary: GRIA1 c.1135-7T>C alters a non-conserved nucleotide located close to a canonical splice site and therefore could affect mRNA splicing, leading to a significantly altered protein sequence. Consensus agreement among computation tools predict no significant impact on normal splicing. However, these predictions have yet to be confirmed by functional studies. The variant was absent in 250404 control chromosomes. The available data on variant occurrences in the general population are insufficient to allow any conclusion about variant significance. To our knowledge, no occurrence of c.1135-7T>C in individuals affected with Intellectual Developmental Disorder, Autosomal Dominant 67 and no experimental evidence demonstrating its impact on protein function have been reported. No submitters have cited clinical-significance assessments for this variant to ClinVar. Based on the evidence outlined above, the variant was classified as uncertain significance.

NM_000827.4(GRIA1):c.1135-7T>C

Gene: GRIA1 (glutamate ionotropic receptor AMPA type subunit 1; plus strand). Cytogenetic location: 5q33.2.
Variant type: single nucleotide variant.
Coding change: c.1135-7T>C on transcript NM_000827.4 (MANE Select); 7 bases into the intron before coding-DNA position 1135, T replaced by C.
Molecular consequence: intron variant.
Genome position (GRCh38, 1-based): chr5:153,698,037, T>C. VCF-style: chr5-153698037-T-C. GRCh37 (hg19) VCF-style: chr5-153077597-T-C.
Other names: c.1162-7T>C (NM_001364166.2); c.928-7T>C (NM_001364167.2, NM_001258023.1); c.850-7T>C (NM_001258020.2); c.1135-7T>C (NM_001114183.2); c.967-7T>C (NM_001364165.2); c.895-7T>C (NM_001258019.2); c.1165-7T>C (NM_001258021.2, NM_001258022.2).
Identifiers: ClinVar variation 3233687 (VCV003233687.2), dbSNP rs2480412031, ClinGen allele CA2825001426.